The following is an entry in ClinVar:

ClinVar aggregate classification (germline): not provided (0 of 4 stars; one submission).

Submission:

Medical Genetics Unit, Ain Shams University Pediatrics Hospital
No classification provided. Review status: no classification provided. Collection method: not provided. Allele origin: not provided.
Comment: Methylmalonic aciduria

NM_000255.4(MMUT):c.165C>A (p.Asn55Lys)

Gene: MMUT (methylmalonyl-CoA mutase; minus strand). Cytogenetic location: 6p12.3.
Variant type: single nucleotide variant.
Coding change: c.165C>A on transcript NM_000255.4 (MANE Select); coding-DNA position 165, C replaced by A.
Protein change: p.Asn55Lys; replaces asparagine 55 with lysine.
Molecular consequence: missense variant.
Genome position (GRCh38, 1-based): chr6:49,459,302, G>T on the plus strand (C>A on the coding strand, the complement: MMUT is on the minus strand). VCF-style: chr6-49459302-G-T. GRCh37 (hg19) VCF-style: chr6-49427015-G-T.
Other names: KC594079.1; KC594092.1; KC594096.1; short protein forms N55K.
Identifiers: ClinVar variation 100706 (VCV000100706.1), dbSNP rs483352780, ClinGen allele CA235520.
Genomic context (GRCh38, chr6:49,459,302, plus strand): 5'-CTTGGAATACAAGGGTTTTATAGAGATCCCTTCCGGGGTGTGCCATATTAGGTCTTCTGG[G>T]TTTTTGCCTTTCAGCTGCTTTTTAGCCAGGGCAGCCCATTCTGGGTGAAGGGGCTGTTGC-3'
Protein context (NP_000246.2, residues 45-65): ALAKKQLKGK[Asn55Lys]PEDLIWHTPE